The following is an entry in ClinVar:

NM_002473.6(MYH9):c.4716C>G (p.Asp1572Glu)

Gene: MYH9 (myosin heavy chain 9; minus strand). Cytogenetic location: 22q12.3.
Variant type: single nucleotide variant.
Coding change: c.4716C>G on transcript NM_002473.6 (MANE Select); coding-DNA position 4716, C replaced by G.
Protein change: p.Asp1572Glu; replaces aspartic acid 1572 with glutamic acid.
Molecular consequence: missense variant.
Genome position (GRCh38, 1-based): chr22:36,288,781, G>C on the plus strand (C>G on the coding strand, the complement: MYH9 is on the minus strand). VCF-style: chr22-36288781-G-C. GRCh37 (hg19) VCF-style: chr22-36684827-G-C.
Other names: short protein forms D1572E.
Identifiers: ClinVar variation 4848379 (VCV004848379.1).

ClinVar aggregate classification (germline): Uncertain significance (1 of 4 stars; one submission).

Submission:

Women's Health and Genetics/Laboratory Corporation of America, LabCorp
Classification: Uncertain significance. Last evaluated: 2026-04-29. Review status: criteria provided, single submitter. Criteria: LabCorp Variant Classification Summary - May 2015. Collection method: clinical testing. Allele origin: germline.
Comment: Variant summary: MYH9 c.4716C>G (p.Asp1572Glu) results in a conservative amino acid change in the encoded protein sequence. Algorithms developed to predict the effect of missense changes on protein structure and function are either unavailable or do not agree on the potential impact of this missense change. The variant was absent in 249218 control chromosomes. The available data on variant occurrences in the general population are insufficient to allow any conclusion about variant significance. To our knowledge, no occurrence of c.4716C>G in individuals affected with MYH9-related conditions and no experimental evidence demonstrating its impact on protein function have been reported. No submitters have cited clinical-significance assessments for this variant to ClinVar. Based on the evidence outlined above, the variant was classified as uncertain significance.